The following is an entry in ClinVar:

NM_000051.4(ATM):c.3746+7T>G

Gene: ATM (ATM serine/threonine kinase; plus strand). Cytogenetic location: 11q22.3.
Variant type: single nucleotide variant.
Coding change: c.3746+7T>G on transcript NM_000051.4 (MANE Select); 7 bases into the intron after coding-DNA position 3746, T replaced by G.
Molecular consequence: intron variant.
Genome position (GRCh38, 1-based): chr11:108,282,886, T>G. VCF-style: chr11-108282886-T-G. GRCh37 (hg19) VCF-style: chr11-108153613-T-G.
Other names: c.3746+7T>G (NM_001351834.2).
Identifiers: ClinVar variation 1968865 (VCV001968865.6), dbSNP rs2546880774, ClinGen allele CA2580083260.

ClinVar aggregate classification (germline): Likely benign. Review status: criteria provided, multiple submitters, no conflicts (2 of 4 stars). 2 submissions from 2 submitters: Likely benign (2). Last evaluated 2025-10-26.

Conditions:
Ataxia-telangiectasia syndrome (AT). Also called: Ataxia-telangiectasia, complementation group E; Ataxia telangiectasia (A-T); Cerebello-oculocutaneous telangiectasia; Immunodeficiency with ataxia telangiectasia; Ataxia-telangiectasia, complementation group D; ATAXIA-TELANGIECTASIA, COMPLEMENTATION GROUP A. Identifiers: Orphanet 100, MedGen C0004135, MONDO:0008840, OMIM 208900.
Familial cancer of breast. Also called: hereditary breast carcinoma; BREAST CANCER, FAMILIAL; Hereditary breast cancer. Identifiers: Orphanet 227535, MedGen C0346153, MONDO:0016419, OMIM 114480. Disease mechanism: loss of function.

Submissions (2):

Labcorp Genetics (formerly Invitae), Labcorp
Classification: Likely benign for Ataxia-telangiectasia syndrome. Last evaluated: 2025-10-26. Review status: criteria provided, single submitter. Criteria: Invitae Variant Classification Sherloc (09022015). Collection method: clinical testing. Allele origin: germline.

Myriad Genetics, Inc.
Classification: Likely benign for Familial cancer of breast. Last evaluated: 2024-05-15. Review status: criteria provided, single submitter. Criteria: Myriad Autosomal Dominant, Autosomal Recessive and X-Linked Classification Criteria (2023). Collection method: clinical testing. Allele origin: unknown.
Comment: This variant is considered likely benign. This variant is intronic and is not expected to impact mRNA splicing.